The following is an entry in ClinVar:

NM_004453.4(ETFDH):c.152G>A (p.Arg51Gln)

Gene: ETFDH (electron transfer flavoprotein dehydrogenase; plus strand). Cytogenetic location: 4q32.1.
Variant type: single nucleotide variant.
Coding change: c.152G>A on transcript NM_004453.4 (MANE Select); coding-DNA position 152, G replaced by A.
Protein change: p.Arg51Gln; replaces arginine 51 with glutamine.
Molecular consequence: missense variant. On other transcripts: intron variant (1).
Genome position (GRCh38, 1-based): chr4:158,680,584, G>A. VCF-style: chr4-158680584-G-A. GRCh37 (hg19) VCF-style: chr4-159601736-G-A.
Other names: c.152G>A (NM_004453.2, NM_004453.3); c.35-1611G>A (NM_001281737.2); short protein forms R51Q.
Identifiers: ClinVar variation 1019560 (VCV001019560.39), dbSNP rs534388496, ClinGen allele CA3122286.

ClinVar aggregate classification (germline): Conflicting classifications of pathogenicity. Review status: criteria provided, conflicting classifications (1 of 4 stars). 9 submissions from 9 submitters: Pathogenic (3); Likely pathogenic (5); Uncertain significance (1). Last evaluated 2025-12-30.

Conditions:
Glutaric acidemia type 2C.
Multiple acyl-CoA dehydrogenase deficiency (MADD). Also called: ETHYLMALONIC-ADIPICACIDURIA; GA II; Glutaric Acidemia type 2; Glutaric aciduria, type 2; Glutaric acidemia type II; GA 2. Identifiers: Orphanet 26791, MedGen C0268596, MONDO:0009282, OMIM 231680.

Allele frequency attached by ClinVar (database versions not stated): TOPMed 0.00006; ExAC 0.00007; 1000 Genomes Project 30x 0.00031; 1000 Genomes Project 0.00040.
gnomAD v4.1: 37 of 1,610,516 alleles (0.0023%); highest among the groups gnomAD compares: East Asian, 0.051%; no homozygotes.

Submissions (10):

Labcorp Genetics (formerly Invitae), Labcorp
Classification: Pathogenic for Multiple acyl-CoA dehydrogenase deficiency. Last evaluated: 2025-12-30. Review status: criteria provided, single submitter. Criteria: Invitae Variant Classification Sherloc (09022015). Collection method: clinical testing. Allele origin: germline.
Comment: This sequence change replaces arginine, which is basic and polar, with glutamine, which is neutral and polar, at codon 51 of the ETFDH protein (p.Arg51Gln). This variant is present in population databases (rs534388496, gnomAD 0.1%). This missense change has been observed in individuals with clinical features of multiple acyl-CoA dehydrogenase deficiency (PMID: 24357026, 28456887, 29336361, 34819910). ClinVar contains an entry for this variant (Variation ID: 1019560). Invitae Evidence Modeling of protein sequence and biophysical properties (such as structural, functional, and spatial information, amino acid conservation, physicochemical variation, residue mobility, and thermodynamic stability) indicates that this missense variant is expected to disrupt ETFDH protein function with a positive predictive value of 95%. For these reasons, this variant has been classified as Pathogenic.

Natera, Inc.
Classification: Likely pathogenic for Glutaric acidemia type 2C. Last evaluated: 2025-11-26. Review status: criteria provided, single submitter. Criteria: Natera Variant Classification Schema (03/2026). Collection method: clinical testing. Allele origin: germline.
Comment: The c.152G>A variant in ETFDH is a missense variant predicted to cause substitution of arginine to glutamine at amino acid 51. This variant is rare in the general population with a frequency below the threshold expected for the associated phenotype(s). This variant has been observed in one or more individuals affected with the associated recessive disease, as either homozygous or compound heterozygous with a second variant (PMID: 35342266, 34819910). Computational prediction algorithms indicate this variant is likely to affect gene or protein function. Given the available evidence, this variant is classified as Likely Pathogenic.

Victorian Clinical Genetics Services, Murdoch Childrens Research Institute
Classification: Pathogenic for Multiple acyl-CoA dehydrogenase deficiency. Last evaluated: 2024-10-16. Review status: criteria provided, single submitter. Criteria: ACMG Guidelines, 2015. Collection method: clinical testing. Allele origin: germline.
Comment: This variant is classified as Pathogenic. Evidence in support of pathogenic classification: Variant is present in gnomAD <0.01 for a recessive condition (v4: 37 heterozygotes, 0 homozygotes); This variant has strong previous evidence of pathogenicity in unrelated individuals. This variant has been classified as likely pathogenic and pathogenic by clinical laboratories in ClinVar and reported in the literature in multiple individuals with late-onset lipid storage myopathy or multiple acyl-CoA dehydrogenase deficiency (PMID: 24357026, 29336361, 28456887, 34819910, 34718578, 35342266); Missense variant consistently predicted to be damaging by multiple in silico tools or highly conserved with a major amino acid change. Additional information: Variant is predicted to result in a missense amino acid change from arginine to glutamine; This variant is heterozygous; This gene is associated with autosomal recessive disease; Multiple alternative amino acid changes at the same position have been observed in gnomAD (v4) (highest allele count: 24 heterozygotes, 0 homozygotes); Variant is not located in an established domain, motif, hotspot or informative constraint region; Loss of function is a known mechanism of disease in this gene and is associated with glutaric acidemia IIC (MIM#231680), also known as multiple acyl-CoA dehydrogenase deficiency (MADD); Variants in this gene are known to have variable expressivity and can present with high variability in age and severity of symptoms (OMIM, PMID: 33823724, 25200064).

Fulgent Genetics
Classification: Likely pathogenic for Multiple acyl-CoA dehydrogenase deficiency. Last evaluated: 2024-05-17. Review status: criteria provided, single submitter. Criteria: ACMG Guidelines, 2015. Collection method: clinical testing. Allele origin: germline.

GeneDx
Classification: Uncertain significance. Last evaluated: 2024-04-26. Review status: criteria provided, single submitter. Criteria: GeneDx Variant Classification Process June 2021. Collection method: clinical testing. Allele origin: germline. Affected: yes.
Comment: In silico analysis supports that this missense variant has a deleterious effect on protein structure/function; This variant is associated with the following publications: (PMID: 28456887, 34718578, 34819910, 32124521, 24357026, 29336361, 35342266)

Baylor Genetics
Classification: Pathogenic for Multiple acyl-CoA dehydrogenase deficiency. Last evaluated: 2024-03-18. Review status: criteria provided, single submitter. Criteria: ACMG Guidelines, 2015. Collection method: clinical testing. Allele origin: unknown.

CeGaT Center for Human Genetics Tuebingen
Classification: Likely pathogenic. Last evaluated: 2024-02-01. Review status: criteria provided, single submitter. Criteria: CeGaT Center For Human Genetics Tuebingen Variant Classification Criteria Version 2. Collection method: clinical testing. Allele origin: germline. Affected: yes. Observed: 1 variant allele.
Comment: ETFDH: PM3:Strong, PM2

Juno Genomics, Hangzhou Juno Genomics, Inc
Classification: Likely pathogenic for Multiple acyl-CoA dehydrogenase deficiency. Review status: criteria provided, single submitter. Criteria: ACMG Guidelines, 2015. Collection method: clinical testing. Allele origin: germline.
Comment: Absent from controls (or at extremely low frequency if recessive) in Genome Aggregation Database.;Multiple lines of computational evidence support a deleterious effect on the gene or gene product.;For recessive disorders, detected in trans with a pathogenic variant.;Patient's phenotype or family history is highly specific for a disease with a single genetic etiology.

Kariminejad - Najmabadi Pathology & Genetics Center
Classification: Likely pathogenic for Multiple acyl-CoA dehydrogenase deficiency. Review status: criteria provided, single submitter. Criteria: ACMG Guidelines, 2015. Collection method: clinical testing. Allele origin: germline. Affected: no.

Dr. Peter K. Rogan Lab, Western University
No classification provided (evidence only). Condition: Gastric cancer. Review status: no classification provided. Collection method: in vitro. Allele origin: not applicable. Functional consequence: retained intron. Not counted in ClinVar's aggregate classification.

Literature cited by the submitters: PubMed 24357026 (cited by Labcorp Genetics (formerly Invitae), Labcorp and Victorian Clinical Genetics Services, Murdoch Childrens Research Institute); PubMed 28456887 (cited by Labcorp Genetics (formerly Invitae), Labcorp and Victorian Clinical Genetics Services, Murdoch Childrens Research Institute); PubMed 29336361 (cited by Labcorp Genetics (formerly Invitae), Labcorp and Victorian Clinical Genetics Services, Murdoch Childrens Research Institute); PubMed 34819910 (cited by 3 submitters); PubMed 35342266 (cited by Natera, Inc. and Victorian Clinical Genetics Services, Murdoch Childrens Research Institute); PubMed 33823724 (cited by Victorian Clinical Genetics Services, Murdoch Childrens Research Institute); PubMed 34718578 (cited by Victorian Clinical Genetics Services, Murdoch Childrens Research Institute); PubMed 25200064 (cited by Victorian Clinical Genetics Services, Murdoch Childrens Research Institute).